The following is an entry in ClinVar:

ClinVar aggregate classification (germline): Likely benign. Review status: criteria provided, multiple submitters, no conflicts (2 of 4 stars). 2 submissions from 2 submitters: Likely benign (2). Last evaluated 2025-04-07.

Conditions:
Loeys-Dietz syndrome 2 (LDS2). Also called: AORTIC ANEURYSM, FAMILIAL THORACIC 3; MARFAN SYNDROME, TYPE II; Marfan syndrome, type 2 (formerly); TGFBR2-Related Loeys-Dietz Syndrome; Marfan Syndrome type 2; Marfan like connective tissue disorder. Identifiers: Orphanet 284973, Orphanet 558, MedGen C2674574, MONDO:0012427, OMIM 610168.
Familial thoracic aortic aneurysm and aortic dissection (TAAD). Also called: Thoracic aortic aneurysms and dissections. Identifiers: Orphanet 91387, MedGen C4707243, MONDO:0019625.

gnomAD v4.1: 2 of 1,614,194 alleles (0.00012%); highest among the groups gnomAD compares: Admixed American, 0.0017%; no homozygotes.

Submissions (2):

Labcorp Genetics (formerly Invitae), Labcorp
Classification: Likely benign for Familial thoracic aortic aneurysm and aortic dissection. Last evaluated: 2025-04-07. Review status: criteria provided, single submitter. Criteria: Invitae Variant Classification Sherloc (09022015). Collection method: clinical testing. Allele origin: germline.

All of Us Research Program, National Institutes of Health
Classification: Likely benign for Loeys-Dietz syndrome 2. Last evaluated: 2024-02-05. Review status: criteria provided, single submitter. Criteria: ACMG Guidelines, 2015. Collection method: clinical testing. Allele origin: germline. Inheritance: Autosomal dominant inheritance. Observed: 2 variant alleles, 2 heterozygotes.
Comment: This study involves interpretation of variants in research participants for the purpose of population health screening. Participant phenotype was not available at the time of variant classification. Additional details can be found in publication PMID: 35346344, PMCID: PMC8962531

NM_003242.6(TGFBR2):c.756A>G (p.Lys252=)

Gene: TGFBR2 (transforming growth factor beta receptor 2; plus strand). Cytogenetic location: 3p24.1.
Variant type: single nucleotide variant.
Coding change: c.756A>G on transcript NM_003242.6 (MANE Select); coding-DNA position 756, A replaced by G.
Protein change: p.Lys252=; no amino-acid change (lysine 252 retained).
Molecular consequence: synonymous variant. On other transcripts: intron variant (1).
Genome position (GRCh38, 1-based): chr3:30,671,939, A>G. VCF-style: chr3-30671939-A-G. GRCh37 (hg19) VCF-style: chr3-30713431-A-G.
Other names: c.831A>G, p.Lys277= (NM_001024847.3); c.939A>G, p.Lys313= (NM_001407126.1); c.864A>G, p.Lys288= (NM_001407127.1); c.783A>G, p.Lys261= (NM_001407128.1); c.759A>G, p.Lys253= (NM_001407129.1); c.756A>G, p.Lys252= (NM_001407130.1); c.651A>G, p.Lys217= (NM_001407132.1, NM_001407133.1, NM_001407134.1 and 2 more transcripts); c.471A>G, p.Lys157= (NM_001407137.1); and 2 more.
Identifiers: ClinVar variation 543910 (VCV000543910.12), dbSNP rs1160016010, ClinGen allele CA433058604.
Genomic context (GRCh38, chr3:30,671,939, plus strand): 5'-CAACAACATCAACCACAACACAGAGCTGCTGCCCATTGAGCTGGACACCCTGGTGGGGAA[A>G]GGTCGCTTTGCTGAGGTCTATAAGGCCAAGCTGAAGCAGAACACTTCAGAGCAGTTTGAG-3'
Protein context (NP_003233.4, residues 242-262): LPIELDTLVG[Lys252=]GRFAEVYKAK